The following is an entry in ClinVar:

ClinVar aggregate classification (germline): Likely benign (1 of 4 stars; one submission).

Allele frequency attached by ClinVar (database versions not stated): gnomAD 0.00378 and 0.00406; TOPMed 0.00413; 1000 Genomes Project 0.00419; 1000 Genomes Project 30x 0.00437.
gnomAD v4.1: 920 of 987,888 alleles (0.093%); highest among the groups gnomAD compares: African/African-American, 1.3%; 8 homozygotes.

Submission:

GeneDx
Classification: Likely benign. Last evaluated: 2018-06-19. Review status: criteria provided, single submitter. Criteria: GeneDx Variant Classification (06012015). Collection method: clinical testing. Allele origin: germline. Affected: yes.
Comment: This variant is considered likely benign or benign based on one or more of the following criteria: it is a conservative change, it occurs at a poorly conserved position in the protein, it is predicted to be benign by multiple in silico algorithms, and/or has population frequency not consistent with disease.

NM_001105206.3(LAMA4):c.967-57A>G

Gene: LAMA4 (laminin subunit alpha 4; minus strand). Cytogenetic location: 6q21.
Variant type: single nucleotide variant.
Coding change: c.967-57A>G on transcript NM_001105206.3 (MANE Select); 57 bases into the intron before coding-DNA position 967, A replaced by G.
Molecular consequence: intron variant.
Genome position (GRCh38, 1-based): chr6:112,185,404, T>C on the plus strand (A>G on the coding strand, the complement: LAMA4 is on the minus strand). VCF-style: chr6-112185404-T-C. GRCh37 (hg19) VCF-style: chr6-112506606-T-C.
Other names: c.946-57A>G (NM_002290.5, NM_001105207.3).
Identifiers: ClinVar variation 675872 (VCV000675872.1), dbSNP rs112407332, ClinGen allele CA144883265.